The following is an entry in ClinVar:

NM_021831.6(AGBL5):c.611G>A (p.Arg204His)

Gene: AGBL5 (AGBL carboxypeptidase 5; plus strand). Cytogenetic location: 2p23.3.
Variant type: single nucleotide variant.
Coding change: c.611G>A on transcript NM_021831.6 (MANE Select); coding-DNA position 611, G replaced by A.
Protein change: p.Arg204His; replaces arginine 204 with histidine.
Molecular consequence: missense variant. On other transcripts: non-coding transcript variant (2).
Genome position (GRCh38, 1-based): chr2:27,054,689, G>A. VCF-style: chr2-27054689-G-A. GRCh37 (hg19) VCF-style: chr2-27277557-G-A.
Other names: c.611G>A, p.Arg204His (NM_001035507.3); short protein forms R204H.
Identifiers: ClinVar variation 964407 (VCV000964407.9), dbSNP rs202064757, ClinGen allele CA1567685.

ClinVar aggregate classification (germline): Uncertain significance. Review status: criteria provided, multiple submitters, no conflicts (2 of 4 stars). 3 submissions from 3 submitters: Uncertain significance (3). Last evaluated 2023-11-28.

Conditions:
Inborn genetic diseases. Identifiers: MedGen C0950123, MeSH D030342.

Allele frequency attached by ClinVar (database versions not stated): gnomAD exomes 0.00002; TOPMed 0.00002; gnomAD 0.00003 and 0.00004; ExAC 0.00004.
gnomAD v4.1: 62 of 1,613,884 alleles (0.0038%); highest among the groups gnomAD compares: Non-Finnish European, 0.0044%; no homozygotes.

Submissions (3):

Blueprint Genetics
Classification: Uncertain significance. Last evaluated: 2023-11-28. Review status: criteria provided, single submitter. Criteria: ACMG Guidelines, 2015. Collection method: clinical testing. Allele origin: germline.

Labcorp Genetics (formerly Invitae), Labcorp
Classification: Uncertain significance. Last evaluated: 2022-02-08. Review status: criteria provided, single submitter. Criteria: Invitae Variant Classification Sherloc (09022015). Collection method: clinical testing. Allele origin: germline.
Comment: This sequence change replaces arginine, which is basic and polar, with histidine, which is basic and polar, at codon 204 of the AGBL5 protein (p.Arg204His). This variant is present in population databases (rs202064757, gnomAD 0.02%). This variant has not been reported in the literature in individuals affected with AGBL5-related conditions. ClinVar contains an entry for this variant (Variation ID: 964407). Algorithms developed to predict the effect of missense changes on protein structure and function (SIFT, PolyPhen-2, Align-GVGD) all suggest that this variant is likely to be disruptive. In summary, the available evidence is currently insufficient to determine the role of this variant in disease. Therefore, it has been classified as a Variant of Uncertain Significance.

Ambry Genetics
Classification: Uncertain significance for Inborn genetic diseases. Last evaluated: 2021-08-16. Review status: criteria provided, single submitter. Criteria: Ambry Variant Classification Scheme 2023. Collection method: clinical testing. Allele origin: germline.